The following is an entry in ClinVar:

NM_001330288.2(SMARCC2):c.2132T>C (p.Leu711Pro)

Gene: SMARCC2 (SWI/SNF related BAF chromatin remodeling complex subunit C2; minus strand). Cytogenetic location: 12q13.2.
Variant type: single nucleotide variant.
Coding change: c.2132T>C on transcript NM_001330288.2 (MANE Select); coding-DNA position 2132, T replaced by C.
Protein change: p.Leu711Pro; replaces leucine 711 with proline.
Molecular consequence: missense variant.
Genome position (GRCh38, 1-based): chr12:56,171,732, A>G on the plus strand (T>C on the coding strand, the complement: SMARCC2 is on the minus strand). VCF-style: chr12-56171732-A-G. GRCh37 (hg19) VCF-style: chr12-56565516-A-G.
Other names: c.2132T>C, p.Leu711Pro (NM_001130420.3, NM_139067.4); c.2039T>C, p.Leu680Pro (NM_003075.5); short protein forms L680P, L711P.
Identifiers: ClinVar variation 4293690 (VCV004293690.1).
Genomic context (GRCh38, chr12:56,171,732, plus strand): 5'-CCATTACCTAGGGCTGACTTTGCAGCAGCAGAGGCGACTCGGGGATCGACGACAGAGGCC[A>G]GGAAGGCAACAGTGCTCATAACAGGGTTGCCCGACTGACTGAAGGGGATGGGTTGGTAGG-3'
Protein context (NP_001317217.1, residues 701-721): GNPVMSTVAF[Leu711Pro]ASVVDPRVAS

ClinVar aggregate classification (germline): Uncertain significance (1 of 4 stars; one submission).

Conditions:
Coffin-Siris syndrome 8. Identifiers: MedGen C5193054, MONDO:0032702, OMIM 618362.

Submission:

3billion
Classification: Uncertain significance for Coffin-Siris syndrome 8. Last evaluated: 2025-02-07. Review status: criteria provided, single submitter. Criteria: ACMG Guidelines, 2015. Collection method: clinical testing. Allele origin: germline. Affected: yes.
Comment: The variant is not observed in the gnomAD v4.1.0 dataset. Predicted Consequence/Location: Missense variant In silico tool predictions suggest damaging effect of the variant on gene or gene product [REVEL: 0.89 (>=0.6, sensitivity 0.68 and specificity 0.92)]. Therefore, this variant is classified as VUS according to the recommendation of ACMG/AMP guideline.